The following is an entry in ClinVar:

ClinVar aggregate classification (germline): Uncertain significance (1 of 4 stars; one submission).

Conditions:
Epidermolysis bullosa simplex 5B, with muscular dystrophy (EBS5B). Also called: Epidermolysis bullosa simplex with muscular dystrophy; EPIDERMOLYSIS BULLOSA SIMPLEX AND LIMB-GIRDLE MUSCULAR DYSTROPHY. Identifiers: Orphanet 257, MedGen C2931072, MONDO:0009181, OMIM 226670.
Epidermolysis bullosa simplex, Ogna type (EBS5A). Also called: Pidermolysis bullosa simplex 5A, Ogna type; EPIDERMOLYSIS BULLOSA SIMPLEX 5A, OGNA TYPE. Identifiers: Orphanet 79401, MedGen C0432317, MONDO:0007555, OMIM 131950.
Epidermolysis bullosa simplex with nail dystrophy (EBS5D). Identifiers: MedGen C4225309, MONDO:0014661, OMIM 616487.
Epidermolysis bullosa simplex 5C, with pyloric atresia (EBS5C). Also called: PLEC1-Related Epidermolysis Bullosa with Pyloric Atresia; PLEC-Related Epidermolysis Bullosa with Pyloric Atresia; Epidermolysis bullosa simplex with pyloric atresia. Identifiers: Orphanet 158684, MedGen C2677349, MONDO:0012807, OMIM 612138.
Autosomal recessive limb-girdle muscular dystrophy type 2Q (LGMDR17). Also called: MUSCULAR DYSTROPHY, LIMB-GIRDLE, AUTOSOMAL RECESSIVE 17. Identifiers: Orphanet 254361, MedGen C3150989, MONDO:0013390, OMIM 613723.

Submission:

Labcorp Genetics (formerly Invitae), Labcorp
Classification: Uncertain significance for Autosomal recessive limb-girdle muscular dystrophy type 2Q; Epidermolysis bullosa simplex, Ogna type; Epidermolysis bullosa simplex with nail dystrophy; Epidermolysis bullosa simplex 5C, with pyloric atresia; Epidermolysis bullosa simplex 5B, with muscular dystrophy. Last evaluated: 2022-05-12. Review status: criteria provided, single submitter. Criteria: Invitae Variant Classification Sherloc (09022015). Collection method: clinical testing. Allele origin: germline.
Comment: In summary, the available evidence is currently insufficient to determine the role of this variant in disease. Therefore, it has been classified as a Variant of Uncertain Significance. Algorithms developed to predict the effect of missense changes on protein structure and function (SIFT, PolyPhen-2, Align-GVGD) all suggest that this variant is likely to be disruptive. This variant has not been reported in the literature in individuals affected with PLEC-related conditions. This variant is not present in population databases (gnomAD no frequency). This sequence change replaces serine, which is neutral and polar, with tryptophan, which is neutral and slightly polar, at codon 3975 of the PLEC protein (p.Ser3975Trp).

NM_201384.3(PLEC):c.11843C>G (p.Ser3948Trp)

Gene: PLEC (plectin; minus strand). Cytogenetic location: 8q24.3.
Variant type: single nucleotide variant.
Coding change: c.11843C>G on transcript NM_201384.3 (MANE Select); coding-DNA position 11843, C replaced by G.
Protein change: p.Ser3948Trp; replaces serine 3948 with tryptophan.
Molecular consequence: missense variant.
Genome position (GRCh38, 1-based): chr8:143,917,978, G>C on the plus strand (C>G on the coding strand, the complement: PLEC is on the minus strand). VCF-style: chr8-143917978-G-C. GRCh37 (hg19) VCF-style: chr8-144992146-G-C.
Other names: c.11924C>G, p.Ser3975Trp (NM_000445.5); c.8543C>G, p.Ser2848Trp (NM_001410941.1); c.11801C>G, p.Ser3934Trp (NM_201378.4); c.11777C>G, p.Ser3926Trp (NM_201379.3); c.12254C>G, p.Ser4085Trp (NM_201380.4); c.11747C>G, p.Ser3916Trp (NM_201381.3); c.11843C>G, p.Ser3948Trp (NM_201382.4); c.11855C>G, p.Ser3952Trp (NM_201383.3); short protein forms S3916W, S3975W, S3948W, S3926W, S3952W, S4085W, S2848W, S3934W.
Identifiers: ClinVar variation 1961339 (VCV001961339.5), dbSNP rs78999991, ClinGen allele CA372487939.